The following is an entry in ClinVar:

NM_033310.3(KCNK4):c.753_759dup (p.Gly254fs)

Genes: KCNK4 (potassium two pore domain channel subfamily K member 4; plus strand), KCNK4-CATSPERZ (KCNK4-CATSPERZ readthrough (NMD candidate); plus strand). Cytogenetic location: 11q13.1.
Variant type: Duplication.
Coding change: c.753_759dup on transcript NM_033310.3 (MANE Select); coding-DNA positions 753 to 759, 7 bases duplicated (CACCATC; older notation c.753_759dupCACCATC).
Protein change: p.Gly254fs; shifts the reading frame from glycine 254.
Molecular consequence: frameshift variant. On other transcripts: non-coding transcript variant (3).
Genome position (GRCh38, 1-based): chr11:64,298,201-64,298,207, CACCATC duplicated; duplicating any 7 consecutive bases within chr11:64,298,200-64,298,207 gives the same sequence; the c. name uses the placement nearest the transcript's 3' end. VCF-style (leftmost placement, unchanged base first): chr11-64298199-A-ACCACCAT. GRCh37 (hg19) VCF-style: chr11-64065671-A-ACCACCAT.
Other names: c.753_759dup, p.Gly254fs (NM_001317090.2); short protein forms G254fs.
Identifiers: ClinVar variation 4884100 (VCV004884100.2).
Genomic context (GRCh38, chr11:64,298,199, plus strand): 5'-TATCAGCCGCTGGTGTGGTTCTGGATCCTGCTCGGCCTGGCTTACTTCGCCTCAGTGCTC[A>ACCACCAT]CCACCATCGGGAACTGGCTGCGAGTAGTGTCCCGCCGCACTCGGGCAGAGGTAGGCGCCC-3'

ClinVar aggregate classification (germline): Uncertain significance (1 of 4 stars; one submission).

Submission:

Dasa
Classification: Uncertain significance. Last evaluated: 2024-12-11. Review status: criteria provided, single submitter. Criteria: DASA Assertion Criteria. Collection method: clinical testing. Allele origin: germline.
Comment: NM_033310.3(KCNK4):c.753_759dup (p.Gly254Hisfs*176) is a frameshift variant in KCNK4 predicted to alter the reading frame and introduce a premature termination codon. This variant is absent from population databases. The currently available literature and clinical evidence are not sufficient to establish a definitive association between this variant and the reported condition. Therefore, this variant is classified as a variant of uncertain significance.